The following is an entry in ClinVar:

ClinVar aggregate classification (germline): Likely pathogenic (1 of 4 stars; one submission).

Conditions:
Dilated cardiomyopathy 1G (CMD1G). Identifiers: Orphanet 154, MedGen C1858763, MONDO:0011400, OMIM 604145.
Autosomal recessive limb-girdle muscular dystrophy type 2J (LGMDR10). Also called: Limb-girdle muscular dystrophy, type 2J; MUSCULAR DYSTROPHY, LIMB-GIRDLE, AUTOSOMAL RECESSIVE 10. Identifiers: Orphanet 140922, MedGen C1837342, MONDO:0012127, OMIM 608807.

gnomAD v4.1: 6 of 1,612,374 alleles (0.00037%); highest among the groups gnomAD compares: Non-Finnish European, 0.00042%; no homozygotes.

Submission:

Labcorp Genetics (formerly Invitae), Labcorp
Classification: Likely pathogenic for Dilated cardiomyopathy 1G; Autosomal recessive limb-girdle muscular dystrophy type 2J. Last evaluated: 2024-10-18. Review status: criteria provided, single submitter. Criteria: Invitae Variant Classification Sherloc (09022015). Collection method: clinical testing. Allele origin: germline.
Comment: This sequence change creates a premature translational stop signal (p.Lys11992*) in the TTN gene. While this is not anticipated to result in nonsense mediated decay, it is expected to create a truncated TTN protein. This variant is not present in population databases (gnomAD no frequency). This variant has not been reported in the literature in individuals affected with TTN-related conditions. Algorithms developed to predict the effect of sequence changes on RNA splicing suggest that this variant may disrupt the consensus splice site. This variant is located in the I band of TTN (PMID: 25589632). Truncating variants in this region have been reported in individuals affected with autosomal recessive centronuclear myopathy (PMID: 23975875, internal data). Truncating variants in this region have also been identified in individuals affected with autosomal dominant dilated cardiomyopathy and/or cardio-related conditions (PMID: 27869827, 32964742, internal data). In summary, the currently available evidence indicates that the variant is pathogenic, but additional data are needed to prove that conclusively. Therefore, this variant has been classified as Likely Pathogenic.

Literature cited by the submitters: PubMed 25589632; PubMed 23975875; PubMed 27869827; PubMed 32964742.

NM_001267550.2(TTN):c.35974A>T (p.Lys11992Ter)

Gene: TTN (titin; minus strand). Cytogenetic location: 2q31.2.
Variant type: single nucleotide variant.
Coding change: c.35974A>T on transcript NM_001267550.2 (MANE Select); coding-DNA position 35974, A replaced by T.
Protein change: p.Lys11992Ter; replaces lysine 11992 with a stop codon.
Molecular consequence: nonsense. On other transcripts: intron variant (5).
Genome position (GRCh38, 1-based): chr2:178,665,446, T>A on the plus strand (A>T on the coding strand, the complement: TTN is on the minus strand). VCF-style: chr2-178665446-T-A. GRCh37 (hg19) VCF-style: chr2-179530173-T-A.
Other names: c.13283-23129A>T (NM_003319.4); c.13859-23129A>T (NM_133437.4); c.13658-23129A>T (NM_133432.3); c.31484-2391A>T (NM_133378.4); c.34265-2391A>T (NM_001256850.1); short protein forms K11992*.
Identifiers: ClinVar variation 2947610 (VCV002947610.3), dbSNP rs2065761154, ClinGen allele CA349504460.